The following is an entry in ClinVar:

ClinVar aggregate classification (germline): Conflicting classifications of pathogenicity. Review status: criteria provided, conflicting classifications (1 of 4 stars). 5 submissions from 5 submitters: Uncertain significance (3); Benign (1); Likely benign (1). Last evaluated 2025-12-29.

Conditions:
Fibromuscular dysplasia, multifocal. Identifiers: MedGen C5543412, MONDO:0859151, OMIM 619329.
Ehlers-Danlos syndrome, classic type, 1 (EDSCL1). Also called: Ehlers-Danlos Syndrome, Classic Type, COL5A1-Related; EHLERS-DANLOS SYNDROME, GRAVIS TYPE; EHLERS-DANLOS SYNDROME, SEVERE CLASSIC TYPE; Ehlers-Danlos syndrome, type 1; EDS I. Identifiers: MedGen C0268335, MONDO:0019567, OMIM 130000.
Familial thoracic aortic aneurysm and aortic dissection (TAAD). Also called: Thoracic aortic aneurysms and dissections. Identifiers: Orphanet 91387, MedGen C4707243, MONDO:0019625.

Allele frequency attached by ClinVar (database versions not stated): ExAC 0.00014; gnomAD exomes 0.00008 and 0.00009; gnomAD 0.00008; TOPMed 0.00012; 1000 Genomes Project 0.00020; 1000 Genomes Project 30x 0.00047; ESP Exome Variant Server 0.00023.
gnomAD v4.1: 144 of 1,598,662 alleles (0.009%); highest among the groups gnomAD compares: Admixed American, 0.017%; no homozygotes.

Submissions (5):

Labcorp Genetics (formerly Invitae), Labcorp
Classification: Benign for Ehlers-Danlos syndrome, classic type, 1. Last evaluated: 2025-12-29. Review status: criteria provided, single submitter. Criteria: Invitae Variant Classification Sherloc (09022015). Collection method: clinical testing. Allele origin: germline.

Women's Health and Genetics/Laboratory Corporation of America, LabCorp
Classification: Likely benign. Last evaluated: 2025-06-19. Review status: criteria provided, single submitter. Criteria: LabCorp Variant Classification Summary - May 2015. Collection method: clinical testing. Allele origin: germline.
Comment: Variant summary: COL5A1 c.3110C>T (p.Thr1037Met) results in a non-conservative amino acid change in the encoded protein sequence. Algorithms developed to predict the effect of missense changes on protein structure and function all suggest that this variant is likely to be disruptive. The variant allele was found at a frequency of 9e-05 in 1598662 control chromosomes, predominantly at a frequency of 0.00017 within the Latino subpopulation in the gnomAD database. The observed variant frequency within Latino control individuals in the gnomAD database is approximately 5 fold of the estimated maximal expected allele frequency for a pathogenic variant in COL5A1 causing Ehlers-Danlos syndrome, classic type, Ehlers-Danlos syndrome, classic type, 1 phenotype (3.1e-05). c.3110C>T has not been observed in individual(s) affected with COL5A1-related conditions. To our knowledge, no experimental evidence demonstrating an impact on protein function has been reported. The following publications have been ascertained in the context of this evaluation (PMID: 31141158, 26566670). ClinVar contains an entry for this variant (Variation ID: 212955). Based on the evidence outlined above, the variant was classified as likely benign.

GeneDx
Classification: Uncertain significance. Last evaluated: 2025-06-09. Review status: criteria provided, single submitter. Criteria: GeneDx Variant Classification Process June 2021. Collection method: clinical testing. Allele origin: germline. Affected: yes.
Comment: Has not been previously published as pathogenic or benign to our knowledge; In silico analysis supports that this missense variant does not alter protein structure/function; Occurs in the triple helical domain at the X position in the canonical Gly-X-Y repeat; although this variant may have an effect on normal protein folding and function, missense substitution at the X position is not a common mechanism of disease (HGMD, PMID: 22696272); This variant is associated with the following publications: (PMID: 22696272)

Ambry Genetics
Classification: Uncertain significance for Familial thoracic aortic aneurysm and aortic dissection. Last evaluated: 2025-01-08. Review status: criteria provided, single submitter. Criteria: Ambry Variant Classification Scheme 2023. Collection method: clinical testing. Allele origin: germline.
Comment: The p.T1037M variant (also known as c.3110C>T), located in coding exon 39 of the COL5A1 gene, results from a C to T substitution at nucleotide position 3110. The threonine at codon 1037 is replaced by methionine, an amino acid with similar properties. This amino acid position is not well conserved in available vertebrate species. In addition, the in silico prediction for this alteration is inconclusive. Based on the available evidence, the clinical significance of this variant remains unclear.

Fulgent Genetics
Classification: Uncertain significance for Ehlers-Danlos syndrome, classic type, 1; Fibromuscular dysplasia, multifocal. Last evaluated: 2021-09-03. Review status: criteria provided, single submitter. Criteria: ACMG Guidelines, 2015. Collection method: clinical testing. Allele origin: unknown.

Literature cited by the submitters: PubMed 26566670 (cited by Women's Health and Genetics/Laboratory Corporation of America, LabCorp); PubMed 31141158 (cited by Women's Health and Genetics/Laboratory Corporation of America, LabCorp).

NM_000093.5(COL5A1):c.3110C>T (p.Thr1037Met)

Gene: COL5A1 (collagen type V alpha 1 chain; plus strand). Cytogenetic location: 9q34.3.
Variant type: single nucleotide variant.
Coding change: c.3110C>T on transcript NM_000093.5 (MANE Select); coding-DNA position 3110, C replaced by T.
Protein change: p.Thr1037Met; replaces threonine 1037 with methionine.
Molecular consequence: missense variant.
Genome position (GRCh38, 1-based): chr9:134,802,991, C>T. VCF-style: chr9-134802991-C-T. GRCh37 (hg19) VCF-style: chr9-137694837-C-T.
Other names: p.T1037M:ACG>ATG; c.3110C>T, p.Thr1037Met (NM_001278074.1); short protein forms T1037M.
Identifiers: ClinVar variation 212955 (VCV000212955.22), dbSNP rs150487609, ClinGen allele CA322071.